The following is an entry in ClinVar:

ClinVar aggregate classification (germline): Uncertain significance (1 of 4 stars; one submission).

Conditions:
Idiopathic Pulmonary Fibrosis. Also called: Idiopathic fibrosing alveolitis, chronic form; idiopathic fibrosing alveolitis. Identifiers: Orphanet 2032, MedGen C1800706, MeSH D054990, MONDO:0800504.
Dyskeratosis congenita, autosomal dominant 2. Identifiers: MedGen C3151443, MONDO:0013521, OMIM 613989.

Submission:

Labcorp Genetics (formerly Invitae), Labcorp
Classification: Uncertain significance for Dyskeratosis congenita, autosomal dominant 2; Idiopathic Pulmonary Fibrosis. Last evaluated: 2019-12-27. Review status: criteria provided, single submitter. Criteria: Invitae Variant Classification Sherloc (09022015). Collection method: clinical testing. Allele origin: germline.
Comment: In summary, the available evidence is currently insufficient to determine the role of this variant in disease. Therefore, it has been classified as a Variant of Uncertain Significance. Algorithms developed to predict the effect of missense changes on protein structure and function output the following: SIFT: "Tolerated"; PolyPhen-2: "Benign"; Align-GVGD: "Class C0". The proline amino acid residue is found in multiple mammalian species, suggesting that this missense change does not adversely affect protein function. These predictions have not been confirmed by published functional studies and their clinical significance is uncertain. This variant has not been reported in the literature in individuals with TERT-related conditions. This variant is not present in population databases (ExAC no frequency). This sequence change replaces arginine with proline at codon 248 of the TERT protein (p.Arg248Pro). The arginine residue is moderately conserved and there is a moderate physicochemical difference between arginine and proline.

NM_198253.3(TERT):c.743G>C (p.Arg248Pro)

Gene: TERT (telomerase reverse transcriptase; minus strand). Cytogenetic location: 5p15.33.
Variant type: single nucleotide variant.
Coding change: c.743G>C on transcript NM_198253.3 (MANE Select); coding-DNA position 743, G replaced by C.
Protein change: p.Arg248Pro; replaces arginine 248 with proline.
Molecular consequence: missense variant. On other transcripts: non-coding transcript variant (2).
Genome position (GRCh38, 1-based): chr5:1,294,143, C>G on the plus strand (G>C on the coding strand, the complement: TERT is on the minus strand). VCF-style: chr5-1294143-C-G. GRCh37 (hg19) VCF-style: chr5-1294258-C-G.
Other names: c.743G>C, p.Arg248Pro (NM_001193376.3); short protein forms R248P.
Identifiers: ClinVar variation 859520 (VCV000859520.10), dbSNP rs1751210062, ClinGen allele CA359056912.